The following is an entry in ClinVar:

NM_033004.4(NLRP1):c.1057A>G (p.Arg353Gly)

Gene: NLRP1 (NLR family pyrin domain containing 1; minus strand). Cytogenetic location: 17p13.2.
Variant type: single nucleotide variant.
Coding change: c.1057A>G on transcript NM_033004.4 (MANE Select); coding-DNA position 1057, A replaced by G.
Protein change: p.Arg353Gly; replaces arginine 353 with glycine.
Molecular consequence: missense variant.
Genome position (GRCh38, 1-based): chr17:5,559,639, T>C on the plus strand (A>G on the coding strand, the complement: NLRP1 is on the minus strand). VCF-style: chr17-5559639-T-C. GRCh37 (hg19) VCF-style: chr17-5462959-T-C.
Other names: p.Arg353Gly; c.1057A>G, p.Arg353Gly (NM_001033053.3, NM_014922.5, NM_033006.4 and 1 more transcripts); short protein forms R353G.
Identifiers: ClinVar variation 4542119 (VCV004542119.2).

ClinVar aggregate classification (germline): Uncertain significance. Review status: criteria provided, multiple submitters, no conflicts (2 of 4 stars). 2 submissions from 2 submitters: Uncertain significance (2). Last evaluated 2025-06-21.

gnomAD v4.1: 7 of 1,614,170 alleles (0.00043%); highest among the groups gnomAD compares: Non-Finnish European, 0.00059%; no homozygotes.

Submissions (2):

Mayo Clinic Laboratories, Mayo Clinic
Classification: Uncertain significance. Last evaluated: 2025-06-21. Review status: criteria provided, single submitter. Criteria: ACMG Guidelines, 2015. Collection method: clinical testing. Allele origin: germline. Observed: 1 variant allele.
Comment: PM2_supporting

Blueprint Genetics
Classification: Uncertain significance. Last evaluated: 2020-01-24. Review status: criteria provided, single submitter. Criteria: ACMG Guidelines, 2015. Collection method: clinical testing. Allele origin: germline.